The following is an entry in ClinVar:

NM_001267550.2(TTN):c.49366C>T (p.Arg16456Cys)

Genes: TTN (titin; minus strand), TTN-AS1 (TTN antisense RNA 1; plus strand). Cytogenetic location: 2q31.2.
Variant type: single nucleotide variant.
Coding change: c.49366C>T on transcript NM_001267550.2 (MANE Select); coding-DNA position 49366, C replaced by T.
Protein change: p.Arg16456Cys; replaces arginine 16456 with cysteine.
Molecular consequence: missense variant.
Genome position (GRCh38, 1-based): chr2:178,613,917, G>A on the plus strand (C>T on the coding strand, the complement: TTN is on the minus strand). VCF-style: chr2-178613917-G-A. GRCh37 (hg19) VCF-style: chr2-179478644-G-A.
Other names: c.22171C>T, p.Arg7391Cys (NM_003319.4); c.22546C>T, p.Arg7516Cys (NM_133432.3); c.22747C>T, p.Arg7583Cys (NM_133437.4); c.44443C>T, p.Arg14815Cys (NM_001256850.1); c.41662C>T, p.Arg13888Cys (NM_133378.4); short protein forms R13888C, R16456C, R14815C, R7391C, R7516C, R7583C.
Identifiers: ClinVar variation 179608 (VCV000179608.5), dbSNP rs727504986, ClinGen allele CA184773.
Genomic context (GRCh38, chr2:178,613,917, plus strand): 5'-CATCTGGCTCACACCATGTGAGAGTCACTGCGTCTTTAGTGATATCAGAAGGTTCTAGGC[G>A]AGTTGGAGGACCAGGTGGATCTATAGACAGGATAATGGTGTAAAATGTTATATGTCCTGT-3'
Protein context (NP_001254479.2, residues 16446-16466): YQFDPPGPPT[Arg16456Cys]LEPSDITKDA

ClinVar aggregate classification (germline): Conflicting classifications of pathogenicity. Review status: criteria provided, conflicting classifications (1 of 4 stars). 2 submissions from 2 submitters: Uncertain significance (1); Likely benign (1). Last evaluated 2018-05-23.

Allele frequency attached by ClinVar (database versions not stated): gnomAD exomes 0.00001; TOPMed 0.00001 and below 0.00001; gnomAD 0.00003 and 0.00002; ExAC 0.00002.

Submissions (2):

GeneDx
Classification: Likely benign. Last evaluated: 2018-05-23. Review status: criteria provided, single submitter. Criteria: GeneDx Variant Classification (06012015). Collection method: clinical testing. Allele origin: germline. Affected: yes.
Comment: This variant is considered likely benign or benign based on one or more of the following criteria: it is a conservative change, it occurs at a poorly conserved position in the protein, it is predicted to be benign by multiple in silico algorithms, and/or has population frequency not consistent with disease.

Laboratory for Molecular Medicine, Mass General Brigham Personalized Medicine
Classification: Uncertain significance. Last evaluated: 2014-03-19. Review status: criteria provided, single submitter. Criteria: LMM Criteria. Collection method: clinical testing. Allele origin: germline. Observed: 1 variant allele.
Comment: The Arg13888Cys variant in TTN has not been previously reported in individuals w ith cardiomyopathy or in large population studies. Computational prediction tool s and conservation analysis do not provide strong support for or against an impa ct to the protein. Additional information is needed to fully assess the clinical significance of the variant.